The following is an entry in ClinVar:

NM_025132.4(WDR19):c.785G>A (p.Gly262Glu)

Gene: WDR19 (WD repeat domain 19; plus strand). Cytogenetic location: 4p14.
Variant type: single nucleotide variant.
Coding change: c.785G>A on transcript NM_025132.4 (MANE Select); coding-DNA position 785, G replaced by A.
Protein change: p.Gly262Glu; replaces glycine 262 with glutamic acid.
Molecular consequence: missense variant.
Genome position (GRCh38, 1-based): chr4:39,205,631, G>A. VCF-style: chr4-39205631-G-A. GRCh37 (hg19) VCF-style: chr4-39207251-G-A.
Other names: c.305G>A, p.Gly102Glu (NM_001317924.2); short protein forms G102E, G262E.
Identifiers: ClinVar variation 962974 (VCV000962974.10), dbSNP rs778096567, ClinGen allele CA2891704.

ClinVar aggregate classification (germline): Uncertain significance. Review status: criteria provided, multiple submitters, no conflicts (2 of 4 stars). 3 submissions from 3 submitters: Uncertain significance (3). Last evaluated 2024-01-20.

Conditions:
Spermatogenic failure 72 (SPGF72). Identifiers: MedGen C5676980, MONDO:0030809, OMIM 619867.
Asphyxiating thoracic dystrophy 5 (SRTD5). Also called: SHORT-RIB THORACIC DYSPLASIA 5 WITH OR WITHOUT POLYDACTYLY; SHORT-RIB THORACIC DYSPLASIA 5 WITHOUT POLYDACTYLY. Identifiers: Orphanet 474, MedGen C3280598, MONDO:0013717, OMIM 614376.
Nephronophthisis 13 (NPHP13). Identifiers: Orphanet 655, MedGen C3280612, MONDO:0013718, OMIM 614377.
Cranioectodermal dysplasia 4 (CED4). Identifiers: Orphanet 1515, MedGen C3280616, MONDO:0013719, OMIM 614378.
Senior-Loken syndrome 8 (SLSN8). Identifiers: Orphanet 3156, MedGen C4225376, MONDO:0014579, OMIM 616307.

Allele frequency attached by ClinVar (database versions not stated): ExAC 0.00002; gnomAD exomes 0.00002 and 0.00004; TOPMed 0.00003; gnomAD 0.00006.
gnomAD v4.1: 75 of 1,613,120 alleles (0.0046%); highest among the groups gnomAD compares: Non-Finnish European, 0.006%; no homozygotes.

Submissions (3):

Fulgent Genetics
Classification: Uncertain significance for Asphyxiating thoracic dystrophy 5; Nephronophthisis 13; Cranioectodermal dysplasia 4; Senior-Loken syndrome 8; Spermatogenic failure 72. Last evaluated: 2024-01-20. Review status: criteria provided, single submitter. Criteria: ACMG Guidelines, 2015. Collection method: clinical testing. Allele origin: germline.

Labcorp Genetics (formerly Invitae), Labcorp
Classification: Uncertain significance for Senior-Loken syndrome 8; Asphyxiating thoracic dystrophy 5. Last evaluated: 2023-10-17. Review status: criteria provided, single submitter. Criteria: Invitae Variant Classification Sherloc (09022015). Collection method: clinical testing. Allele origin: germline.
Comment: This sequence change replaces glycine, which is neutral and non-polar, with glutamic acid, which is acidic and polar, at codon 262 of the WDR19 protein (p.Gly262Glu). This variant is present in population databases (rs778096567, gnomAD 0.005%). This variant has not been reported in the literature in individuals affected with WDR19-related conditions. ClinVar contains an entry for this variant (Variation ID: 962974). Advanced modeling of protein sequence and biophysical properties (such as structural, functional, and spatial information, amino acid conservation, physicochemical variation, residue mobility, and thermodynamic stability) has been performed at Invitae for this missense variant, however the output from this modeling did not meet the statistical confidence thresholds required to predict the impact of this variant on WDR19 protein function. In summary, the available evidence is currently insufficient to determine the role of this variant in disease. Therefore, it has been classified as a Variant of Uncertain Significance.

Blueprint Genetics
Classification: Uncertain significance. Last evaluated: 2021-01-04. Review status: criteria provided, single submitter. Criteria: ACMG Guidelines, 2015. Collection method: clinical testing. Allele origin: germline.